The following is an entry in ClinVar:

NM_004006.3(DMD):c.960+1G>A

Gene: DMD (dystrophin; minus strand). Cytogenetic location: Xp21.1.
Variant type: single nucleotide variant.
Coding change: c.960+1G>A on transcript NM_004006.3 (MANE Select); the canonical splice donor site of the intron after coding-DNA position 960, G replaced by A.
Molecular consequence: splice donor variant.
Genome position (GRCh38, 1-based): chrX:32,697,869, C>T on the plus strand (G>A on the coding strand, the complement: DMD is on the minus strand). VCF-style: chrX-32697869-C-T. GRCh37 (hg19) VCF-style: chrX-32715986-C-T.
Other names: c.960+1G>A (NM_004006.2); c.936+1G>A (NM_000109.4); c.948+1G>A (NM_004009.3); c.591+1G>A (NM_004010.3).
Identifiers: ClinVar variation 2674867 (VCV002674867.3), dbSNP rs199783662, ClinGen allele CA10380018.

ClinVar aggregate classification (germline): Likely pathogenic. Review status: criteria provided, multiple submitters, no conflicts (2 of 4 stars). 3 submissions from 3 submitters: Likely pathogenic (3). Last evaluated 2025-10-09.

Conditions:
Becker muscular dystrophy, Cardiomyopathy, Duchenne muscular dystrophy, Dystrophin deficiency.
Progressive muscular dystrophy. Identifiers: Orphanet 206644, MedGen C4551827, MONDO:0016106.
Becker muscular dystrophy (BMD). Also called: MUSCULAR DYSTROPHY, PSEUDOHYPERTROPHIC PROGRESSIVE, BECKER TYPE; Becker Muscular Dystrophy (BMD). Identifiers: Orphanet 98895, MedGen C0917713, MONDO:0010311, OMIM 300376.

Allele frequency attached by ClinVar (database versions not stated): gnomAD 0.00001; 1000 Genomes Project 30x 0.00021; 1000 Genomes Project 0.00026.
gnomAD v4.1: 1 of 1,208,429 alleles (0.000083%); highest among the groups gnomAD compares: Non-Finnish European, 0.00011%; no homozygotes.

Submissions (3):

Natera, Inc.
Classification: Likely pathogenic for Becker muscular dystrophy, Cardiomyopathy, Duchenne muscular dystrophy, Dystrophin deficiency. Last evaluated: 2025-10-09. Review status: criteria provided, single submitter. Criteria: Natera Variant Classification Schema (03/2026). Collection method: clinical testing. Allele origin: germline.
Comment: The c.960+1G>A variant in DMD is a canonical splice donor site variant predicted to affect pre-mRNA splicing, which may result in an abnormal transcript and altered protein product. This variant is expected to result in nonsense mediated decay, truncation, or a dysfunctional protein product. This variant is rare in the general population with a frequency below the threshold expected for the associated phenotype(s). This variant has been observed in at least one unaffected individual, with a zygosity that is consistent with the inheritance pattern for the associated condition (in gnomAD and/or literature). Given the available evidence, this variant is classified as Likely Pathogenic.

Victorian Clinical Genetics Services, Murdoch Childrens Research Institute
Classification: Likely pathogenic for Progressive muscular dystrophy. Last evaluated: 2025-06-02. Review status: criteria provided, single submitter. Criteria: ACMG Guidelines, 2015. Collection method: clinical testing. Allele origin: germline.
Comment: This variant is classified as Likely pathogenic. Evidence in support of pathogenic classification: Canonical splice site variant without proven consequence on splicing (no functional evidence available); Variant is present in gnomAD <0.01 for a recessive condition (v4: 0 heterozygote(s), 0 homozygote(s), 1 hemizygote(s)); This variant has limited previous evidence of pathogenicity in an unrelated individual(s). This variant has been classified as likely pathogenic by a clinical laboratory in ClinVar; Other canonical splice site variant(s) comparable to the one identified in this case have strong previous evidence for pathogenicity. c.960+1G>T and c.960+2T>G have been classified as likely pathogenic by clinical laboratories in ClinVar, and c.960+2T>G has been reported in the literature in a hemizygous individual with Duchenne muscular dystrophy (PMID: 27447704); Abnormal splicing is predicted by in silico tool and affected nucleotide is highly conserved. Additional information: This variant is heterozygous; This gene is associated with X-linked disease; Alternative nucleotide change(s) at the same canonical splice site are present in gnomAD (Highest allele count: v4: 0 heterozygote(s), 0 homozygote(s), 2 hemizygote(s)) ; No published segregation evidence has been identified for this variant; No published functional evidence has been identified for this variant; Loss of function is a known mechanism of disease in this gene and is associated with progressive muscular dystrophy (MONDO:0016106), DMD-related; Inheritance information for this variant is not currently available in this individual.

Baylor Genetics
Classification: Likely pathogenic for Becker muscular dystrophy. Last evaluated: 2023-07-29. Review status: criteria provided, single submitter. Criteria: ACMG Guidelines, 2015. Collection method: clinical testing. Allele origin: unknown.

Literature cited by the submitters: PubMed 27447704 (cited by Victorian Clinical Genetics Services, Murdoch Childrens Research Institute).